The following is an entry in ClinVar:

ClinVar aggregate classification (germline): Likely benign (0 of 4 stars; one submission).

Conditions:
CACNA1E-related disorder. Also called: CACNA1E-related condition.

gnomAD v4.1: 8 of 1,601,752 alleles (0.0005%); highest among the groups gnomAD compares: South Asian, 0.0066%; no homozygotes.

Submission:

PreventionGenetics, part of Exact Sciences
Classification: Likely benign for CACNA1E-related condition. Last evaluated: 2024-04-15. Review status: no assertion criteria provided. Collection method: clinical testing. Allele origin: germline.
Comment: This variant is classified as likely benign based on ACMG/AMP sequence variant interpretation guidelines (Richards et al. 2015 PMID: 25741868, with internal and published modifications).

NM_001205293.3(CACNA1E):c.996C>T (p.Ile332=)

Gene: CACNA1E (calcium voltage-gated channel subunit alpha1 E; plus strand). Cytogenetic location: 1q25.3.
Variant type: single nucleotide variant.
Coding change: c.996C>T on transcript NM_001205293.3 (MANE Select); coding-DNA position 996, C replaced by T.
Protein change: p.Ile332=; no amino-acid change (isoleucine 332 retained).
Molecular consequence: synonymous variant.
Genome position (GRCh38, 1-based): chr1:181,651,382, C>T. VCF-style: chr1-181651382-C-T. GRCh37 (hg19) VCF-style: chr1-181620518-C-T.
Other names: c.996C>T, p.Ile332= (NM_000721.4, NM_001205294.2).
Identifiers: ClinVar variation 3358226 (VCV003358226.1).
Genomic context (GRCh38, chr1:181,651,382, plus strand): 5'-TTTTTCTTTCTTTCAGACCAATGATGCCTTAGGAGCCACCTGGAATTGGCTGTACTTCAT[C>T]CCCCTCATCATCATTGGATCCTTCTTTGTTCTCAACCTAGTCCTGGGAGTGCTTTCCGGG-3'
Protein context (NP_001192222.1, residues 322-342): LGATWNWLYF[Ile332=]PLIIIGSFFV